The following is an entry in ClinVar:

GRCh38/hg38 16p13.3(chr16:2717952-4041020)x3

Genes: ADCY9 (adenylate cyclase 9; minus strand), BICDL2 (BICD family like cargo adaptor 2; minus strand), C16orf90 (chromosome 16 open reading frame 90; minus strand), CLDN6 (claudin 6; minus strand), CLDN9 (claudin 9; plus strand) and 178 more. Cytogenetic location: 16p13.3.
Variant type: copy number gain.
Change: copy number 3 (three copies instead of two) of chr16:2,717,952-4,041,020 (1.32 Mb, GRCh38 coordinates, 1-based), cytogenetic band 16p13.3.
Identifiers: ClinVar variation 58620 (VCV000058620.1).

ClinVar aggregate classification (germline): Pathogenic (1 of 4 stars; one submission).

Submission:

ISCA site 15
Classification: Pathogenic. Last evaluated: 2011-08-12. Review status: criteria provided, single submitter. Criteria: Kaminsky et al. (Genet Med. 2011). Collection method: clinical testing. Allele origin: de novo. Affected: yes. Observed: 1 variant allele.
Comment: Copy number variation identified through the course of routine clinical cytogenomic testing in postnatal populations. Clinical assertions have been curated as described in Kaminsky et al. 2011.